The following is an entry in ClinVar:

NM_032776.3(JMJD1C):c.7101T>A (p.Phe2367Leu)

Gene: JMJD1C (jumonji domain containing 1C; minus strand). Cytogenetic location: 10q21.3.
Variant type: single nucleotide variant.
Coding change: c.7101T>A on transcript NM_032776.3 (MANE Select); coding-DNA position 7101, T replaced by A.
Protein change: p.Phe2367Leu; replaces phenylalanine 2367 with leucine.
Molecular consequence: missense variant. On other transcripts: non-coding transcript variant (1).
Genome position (GRCh38, 1-based): chr10:63,177,840, A>T on the plus strand (T>A on the coding strand, the complement: JMJD1C is on the minus strand). VCF-style: chr10-63177840-A-T. GRCh37 (hg19) VCF-style: chr10-64937600-A-T.
Other names: c.6555T>A, p.Phe2185Leu (NM_001282948.2, NM_001318154.2); c.6237T>A, p.Phe2079Leu (NM_001318153.2); c.6987T>A, p.Phe2329Leu (NM_001322252.2); c.6444T>A, p.Phe2148Leu (NM_001322254.2, NM_001322258.2); short protein forms F2079L, F2185L, F2367L, F2148L, F2329L.
Identifiers: ClinVar variation 947361 (VCV000947361.9), dbSNP rs1842993432, ClinGen allele CA377019989.
Genomic context (GRCh38, chr10:63,177,840, plus strand): 5'-AGGTATTTCACTTGAGTCCTTCAATCTTTTCCTTAAAATGTCATCCAAATCTTCTTCCTC[A>T]AATTTCTTGAGAATTCCTGAAACAAAGGAACATAATTTCAAATTGTCGGCAAAGAATACC-3'
Protein context (NP_116165.1, residues 2357-2377): ILSKAGILKK[Phe2367Leu]EEEDLDDILR

ClinVar aggregate classification (germline): Uncertain significance (1 of 4 stars; one submission).

Conditions:
Early Myoclonic Encephalopathy. Identifiers: MedGen C0270855.

Allele frequency attached by ClinVar (database versions not stated): gnomAD 0.00001; gnomAD exomes below 0.00001; TOPMed below 0.00001.
gnomAD v4.1: 4 of 1,611,744 alleles (0.00025%); highest among the groups gnomAD compares: African/African-American, 0.004%; no homozygotes.

Submission:

Labcorp Genetics (formerly Invitae), Labcorp
Classification: Uncertain significance for Early Myoclonic Encephalopathy. Last evaluated: 2019-06-13. Review status: criteria provided, single submitter. Criteria: Invitae Variant Classification Sherloc (09022015). Collection method: clinical testing. Allele origin: germline.
Comment: This variant is not present in population databases (ExAC no frequency). In summary, the available evidence is currently insufficient to determine the role of this variant in disease. Therefore, it has been classified as a Variant of Uncertain Significance. Algorithms developed to predict the effect of missense changes on protein structure and function (SIFT, PolyPhen-2, Align-GVGD) all suggest that this variant is likely to be tolerated, but these predictions have not been confirmed by published functional studies and their clinical significance is uncertain. This variant has not been reported in the literature in individuals with JMJD1C-related conditions. This sequence change replaces phenylalanine with leucine at codon 2367 of the JMJD1C protein (p.Phe2367Leu). The phenylalanine residue is highly conserved and there is a small physicochemical difference between phenylalanine and leucine.